The following is an entry in ClinVar:

ClinVar aggregate classification (germline): Uncertain significance (1 of 4 stars; one submission).

Submission:

GeneDx
Classification: Uncertain significance. Last evaluated: 2022-08-19. Review status: criteria provided, single submitter. Criteria: GeneDx Variant Classification Process June 2021. Collection method: clinical testing. Allele origin: germline. Affected: yes.
Comment: Not observed at significant frequency in large population cohorts (gnomAD); In silico analysis supports that this missense variant has a deleterious effect on protein structure/function; Has not been previously published as pathogenic or benign to our knowledge

NM_001111125.3(IQSEC2):c.1583C>A (p.Ser528Tyr)

Gene: IQSEC2 (IQ motif and Sec7 domain ArfGEF 2; minus strand). Cytogenetic location: Xp11.22.
Variant type: single nucleotide variant.
Coding change: c.1583C>A on transcript NM_001111125.3 (MANE Select); coding-DNA position 1583, C replaced by A.
Protein change: p.Ser528Tyr; replaces serine 528 with tyrosine.
Molecular consequence: missense variant.
Genome position (GRCh38, 1-based): chrX:53,250,993, G>T on the plus strand (C>A on the coding strand, the complement: IQSEC2 is on the minus strand). VCF-style: chrX-53250993-G-T. GRCh37 (hg19) VCF-style: chrX-53280175-G-T.
Other names: c.1583C>A, p.Ser528Tyr (NM_001410736.1); c.968C>A, p.Ser323Tyr (NM_015075.2); short protein forms S323Y, S528Y.
Identifiers: ClinVar variation 2431004 (VCV002431004.1), dbSNP rs2519808819, ClinGen allele CA413165292.
Genomic context (GRCh38, chrX:53,250,993, plus strand): 5'-GGCGCCCAGAACTCGGGCCGGCCCTGGGGTGGGGGTTCTGTGCTGGGCAGTCGCTCAGGG[G>T]ATTGTTGGGGAACTGTGTCATCCAGGTAGAGGGGAAGATCACTGAAGGATGTGGCTGAGC-3'
Protein context (NP_001104595.1, residues 518-538): LYLDDTVPQQ[Ser528Tyr]PERLPSTEPP